The following is an entry in ClinVar:

NM_001170629.2(CHD8):c.6464C>T (p.Pro2155Leu)

Gene: CHD8 (chromodomain helicase DNA binding protein 8; minus strand). Cytogenetic location: 14q11.2.
Variant type: single nucleotide variant.
Coding change: c.6464C>T on transcript NM_001170629.2 (MANE Select); coding-DNA position 6464, C replaced by T.
Protein change: p.Pro2155Leu; replaces proline 2155 with leucine.
Molecular consequence: missense variant.
Genome position (GRCh38, 1-based): chr14:21,393,110, G>A on the plus strand (C>T on the coding strand, the complement: CHD8 is on the minus strand). VCF-style: chr14-21393110-G-A. GRCh37 (hg19) VCF-style: chr14-21861269-G-A.
Other names: c.5627C>T, p.Pro1876Leu (NM_020920.4); short protein forms P1876L, P2155L.
Identifiers: ClinVar variation 4976446 (VCV004976446.1).

ClinVar aggregate classification (germline): Uncertain significance (1 of 4 stars; one submission).

Submission:

GeneDx
Classification: Uncertain significance. Last evaluated: 2026-02-08. Review status: criteria provided, single submitter. Criteria: GeneDx Variant Classification Process June 2021. Collection method: clinical testing. Allele origin: germline.
Comment: Not observed at significant frequency in large population cohorts (gnomAD); In silico analysis supports that this missense variant has a deleterious effect on protein structure/function; Has not been previously published as pathogenic or benign to our knowledge